The following is an entry in ClinVar:

ClinVar aggregate classification (germline): Uncertain significance (1 of 4 stars; one submission).

Conditions:
AXL-related disorder. Also called: AXL-related condition.

gnomAD v4.1: 110 of 1,610,534 alleles (0.0068%); highest among the groups gnomAD compares: Non-Finnish European, 0.0078%; no homozygotes.

Submissions (2):

PreventionGenetics, part of Exact Sciences
Classification: Uncertain significance for AXL-related condition. Last evaluated: 2025-11-12. Review status: criteria provided, single submitter. Criteria: ACMG Guidelines, 2015. Collection method: clinical testing. Allele origin: germline.
Comment: The AXL c.1109C>T variant is predicted to result in the amino acid substitution p.Ala370Val. To our knowledge, this variant has not been reported in the literature. This variant is reported in 0.0056% of alleles in individuals of East Asian descent in gnomAD. At this time, the clinical significance of this variant is uncertain due to the absence of conclusive functional and genetic evidence.

Dr. Peter K. Rogan Lab, Western University
No classification provided (evidence only). Condition: Familial cancer of breast. Review status: no classification provided. Collection method: in vitro. Allele origin: not applicable. Functional consequence: skipped exon. Not counted in ClinVar's aggregate classification.

NM_021913.5(AXL):c.1109C>T (p.Ala370Val)

Gene: AXL (AXL receptor tyrosine kinase; plus strand). Cytogenetic location: 19q13.2.
Variant type: single nucleotide variant.
Coding change: c.1109C>T on transcript NM_021913.5 (MANE Select); coding-DNA position 1109, C replaced by T.
Protein change: p.Ala370Val; replaces alanine 370 with valine.
Molecular consequence: missense variant.
Genome position (GRCh38, 1-based): chr19:41,238,584, C>T. VCF-style: chr19-41238584-C-T. GRCh37 (hg19) VCF-style: chr19-41744489-C-T.
Other names: NC_000019.9:g.41744489C>T; c.305C>T, p.Ala102Val (NM_001278599.2); c.1109C>T, p.Ala370Val (NM_001699.6); c.1109C>T (NM_021913.4); short protein forms A102V, A370V.
Identifiers: ClinVar variation 4440508 (VCV004440508.2).